The following is an entry in ClinVar:

ClinVar aggregate classification (germline): Uncertain significance. Review status: criteria provided, multiple submitters, no conflicts (2 of 4 stars). 2 submissions from 2 submitters: Uncertain significance (2). Last evaluated 2023-04-11.

Conditions:
Generalized epilepsy-paroxysmal dyskinesia syndrome (PNKD3). Also called: Generalized epilepsy and paroxysmal dyskinesia; Paroxysmal nonkinesigenic dyskinesia, 3, with or without generalized epilepsy. Identifiers: Orphanet 79137, MedGen C5574945, MONDO:0012276, OMIM 609446.
Inborn genetic diseases. Identifiers: MedGen C0950123, MeSH D030342.

Allele frequency attached by ClinVar (database versions not stated): gnomAD exomes below 0.00001.
gnomAD v4.1: 1 of 1,613,982 alleles (0.000062%); highest among the groups gnomAD compares: Non-Finnish European, 0.000085%; no homozygotes.

Submissions (2):

Ambry Genetics
Classification: Uncertain significance for Inborn genetic diseases. Last evaluated: 2023-04-11. Review status: criteria provided, single submitter. Criteria: Ambry Variant Classification Scheme 2023. Collection method: clinical testing. Allele origin: germline.

Labcorp Genetics (formerly Invitae), Labcorp
Classification: Uncertain significance for Generalized epilepsy-paroxysmal dyskinesia syndrome. Last evaluated: 2021-08-24. Review status: criteria provided, single submitter. Criteria: Invitae Variant Classification Sherloc (09022015). Collection method: clinical testing. Allele origin: germline.
Comment: This sequence change replaces asparagine with serine at codon 1156 of the KCNMA1 protein (p.Asn1156Ser). The asparagine residue is highly conserved and there is a small physicochemical difference between asparagine and serine. This variant is not present in population databases (ExAC no frequency). This variant has not been reported in the literature in individuals affected with KCNMA1-related conditions. Algorithms developed to predict the effect of missense changes on protein structure and function (SIFT, PolyPhen-2, Align-GVGD) all suggest that this variant is likely to be tolerated. In summary, the available evidence is currently insufficient to determine the role of this variant in disease. Therefore, it has been classified as a Variant of Uncertain Significance.

NM_001161352.2(KCNMA1):c.3641A>G (p.Asn1214Ser)

Gene: KCNMA1 (potassium calcium-activated channel subfamily M alpha 1; minus strand). Cytogenetic location: 10q22.3.
Variant type: single nucleotide variant.
Coding change: c.3641A>G on transcript NM_001161352.2 (MANE Select); coding-DNA position 3641, A replaced by G.
Protein change: p.Asn1214Ser; replaces asparagine 1214 with serine.
Molecular consequence: missense variant.
Genome position (GRCh38, 1-based): chr10:76,887,336, T>C on the plus strand (A>G on the coding strand, the complement: KCNMA1 is on the minus strand). VCF-style: chr10-76887336-T-C. GRCh37 (hg19) VCF-style: chr10-78647094-T-C.
Other names: c.3479A>G, p.Asn1160Ser (NM_001014797.3); c.3590A>G, p.Asn1197Ser (NM_001161353.2); c.3317A>G, p.Asn1106Ser (NM_001271518.2); c.3557A>G, p.Asn1186Ser (NM_001271519.2); c.3476A>G, p.Asn1159Ser (NM_001322829.2, NM_001322836.2); c.3569A>G, p.Asn1190Ser (NM_001322830.2); c.3467A>G, p.Asn1156Ser (NM_001322832.2, NM_002247.4); c.3560A>G, p.Asn1187Ser (NM_001322835.2, NM_001322837.2); and 1 more; short protein forms N1156S, N1159S, N1186S, N1187S, N1190S, N1005S, N1197S, N1106S.
Identifiers: ClinVar variation 969813 (VCV000969813.7), dbSNP rs1564710775, ClinGen allele CA377402586.